The following is an entry in ClinVar:

ClinVar aggregate classification (germline): Uncertain significance. Review status: criteria provided, single submitter (1 of 4 stars). 2 submissions from 2 submitters: Uncertain significance (1). 1 of the submissions does not count toward it. Last evaluated 2022-03-06.

Conditions:
Metaphyseal chondrodysplasia, McKusick type (CHH). Also called: Cartilage-hair hypoplasia; Cartilage-Hair Hypoplasia (CHH). Identifiers: Orphanet 175, MedGen C0220748, MONDO:0009595, OMIM 250250.
Anauxetic dysplasia. Identifiers: Orphanet 93347, MedGen C1846796, MONDO:0011773.

Allele frequency attached by ClinVar (database versions not stated): 1000 Genomes Project 30x 0.00016.

Submissions (2):

Labcorp Genetics (formerly Invitae), Labcorp
Classification: Uncertain significance for Anauxetic dysplasia. Last evaluated: 2022-03-06. Review status: criteria provided, single submitter. Criteria: Invitae Variant Classification Sherloc (09022015). Collection method: clinical testing. Allele origin: germline.
Comment: This variant occurs in the RMRP gene, which encodes an RNA molecule that does not result in a protein product. This variant is present in population databases (rs191438045, gnomAD 0.004%). This variant has not been reported in the literature in individuals affected with RMRP-related conditions. ClinVar contains an entry for this variant (Variation ID: 850858). Experimental studies and prediction algorithms are not available or were not evaluated, and the functional significance of this variant is currently unknown. In summary, the available evidence is currently insufficient to determine the role of this variant in disease. Therefore, it has been classified as a Variant of Uncertain Significance.

Natera, Inc.
Classification: Uncertain significance for Cartilage-hair hypoplasia. Last evaluated: 2020-09-21. Review status: no assertion criteria provided. Collection method: clinical testing. Allele origin: germline. Not counted in ClinVar's aggregate classification.

NC_000009.12:g.35658024C>A

Gene: RMRP (RNA component of mitochondrial RNA processing endoribonuclease; minus strand). Cytogenetic location: 9p13.3.
Variant type: single nucleotide variant.
Genome position: GRCh38 VCF-style: chr9-35658024-C-A. GRCh37 (hg19) VCF-style: chr9-35658021-C-A.
Identifiers: ClinVar variation 850858 (VCV000850858.4), dbSNP rs191438045, ClinGen allele CA192745753.